The following is an entry in ClinVar:

NM_144670.6(A2ML1):c.3668C>T (p.Ala1223Val)

Gene: A2ML1 (alpha-2-macroglobulin like 1; plus strand). Cytogenetic location: 12p13.31.
Variant type: single nucleotide variant.
Coding change: c.3668C>T on transcript NM_144670.6 (MANE Select); coding-DNA position 3668, C replaced by T.
Protein change: p.Ala1223Val; replaces alanine 1223 with valine.
Molecular consequence: missense variant.
Genome position (GRCh38, 1-based): chr12:8,863,959, C>T. VCF-style: chr12-8863959-C-T. GRCh37 (hg19) VCF-style: chr12-9016555-C-T.
Other names: c.2195C>T, p.Ala732Val (NM_001282424.3); short protein forms A1223V, A732V.
Identifiers: ClinVar variation 1713870 (VCV001713870.5), dbSNP rs1944355931, ClinGen allele CA383842518.

ClinVar aggregate classification (germline): Uncertain significance (1 of 4 stars; one submission).

Allele frequency attached by ClinVar (database versions not stated): gnomAD exomes below 0.00001.
gnomAD v4.1: 2 of 1,612,950 alleles (0.00012%); highest among the groups gnomAD compares: Non-Finnish European, 0.00017%; no homozygotes.

Submission:

Labcorp Genetics (formerly Invitae), Labcorp
Classification: Uncertain significance. Last evaluated: 2025-12-21. Review status: criteria provided, single submitter. Criteria: Invitae Variant Classification Sherloc (09022015). Collection method: clinical testing. Allele origin: germline.
Comment: This sequence change replaces alanine, which is neutral and non-polar, with valine, which is neutral and non-polar, at codon 1223 of the A2ML1 protein (p.Ala1223Val). This variant is not present in population databases (gnomAD no frequency). This variant has not been reported in the literature in individuals affected with A2ML1-related conditions. ClinVar contains an entry for this variant (Variation ID: 1713870). An algorithm developed to predict the effect of missense changes on protein structure and function (PolyPhen-2) suggests that this variant is likely to be tolerated. In summary, the available evidence is currently insufficient to determine the role of this variant in disease. Therefore, it has been classified as a Variant of Uncertain Significance.